The following is an entry in ClinVar:

NM_014249.4(NR2E3):c.165C>T (p.Ser55=)

Gene: NR2E3 (nuclear receptor subfamily 2 group E member 3; plus strand). Cytogenetic location: 15q23.
Variant type: single nucleotide variant.
Coding change: c.165C>T on transcript NM_014249.4 (MANE Select); coding-DNA position 165, C replaced by T.
Protein change: p.Ser55=; no amino-acid change (serine 55 retained).
Molecular consequence: synonymous variant.
Genome position (GRCh38, 1-based): chr15:71,811,529, C>T. VCF-style: chr15-71811529-C-T. GRCh37 (hg19) VCF-style: chr15-72103869-C-T.
Other names: c.165C>T, p.Ser55= (NM_016346.4); c.165C>T (NM_014249.3).
Identifiers: ClinVar variation 1091447 (VCV001091447.12), dbSNP rs768900024, ClinGen allele CA7640231.

ClinVar aggregate classification (germline): Likely benign. Review status: criteria provided, multiple submitters, no conflicts (2 of 4 stars). 3 submissions from 3 submitters: Likely benign (2). 1 of the submissions does not count toward it. Last evaluated 2023-12-03.

Conditions:
NR2E3-related disorder. Also called: NR2E3-related condition; NR2E3-related disorders. Identifiers: MedGen CN239387.

Allele frequency attached by ClinVar (database versions not stated): TOPMed 0.00002; ExAC 0.00013.
gnomAD v4.1: 18 of 1,581,836 alleles (0.0011%); highest among the groups gnomAD compares: South Asian, 0.007%; no homozygotes.

Submissions (3):

Labcorp Genetics (formerly Invitae), Labcorp
Classification: Likely benign. Last evaluated: 2023-12-03. Review status: criteria provided, single submitter. Criteria: Invitae Variant Classification Sherloc (09022015). Collection method: clinical testing. Allele origin: germline.

Blueprint Genetics
Classification: Likely benign. Last evaluated: 2023-10-23. Review status: criteria provided, single submitter. Criteria: ACMG Guidelines, 2015. Collection method: clinical testing. Allele origin: germline.

PreventionGenetics, part of Exact Sciences
Classification: Likely benign for NR2E3-related condition. Last evaluated: 2021-05-12. Review status: no assertion criteria provided. Collection method: clinical testing. Allele origin: germline. Not counted in ClinVar's aggregate classification.
Comment: This variant is classified as likely benign based on ACMG/AMP sequence variant interpretation guidelines (Richards et al. 2015 PMID: 25741868, with internal and published modifications).